The following is an entry in ClinVar:

NM_152703.5(SAMD9L):c.683G>A (p.Cys228Tyr)

Gene: SAMD9L (sterile alpha motif domain containing 9 like; minus strand). Cytogenetic location: 7q21.2.
Variant type: single nucleotide variant.
Coding change: c.683G>A on transcript NM_152703.5 (MANE Select); coding-DNA position 683, G replaced by A.
Protein change: p.Cys228Tyr; replaces cysteine 228 with tyrosine.
Molecular consequence: missense variant.
Genome position (GRCh38, 1-based): chr7:93,135,289, C>T on the plus strand (G>A on the coding strand, the complement: SAMD9L is on the minus strand). VCF-style: chr7-93135289-C-T. GRCh37 (hg19) VCF-style: chr7-92764602-C-T.
Other names: c.683G>A, p.Cys228Tyr (NM_001303496.3, NM_001303497.3, NM_001303498.3 and 5 more transcripts); short protein forms C228Y.
Identifiers: ClinVar variation 1365897 (VCV001365897.9), dbSNP rs1433514195, ClinGen allele CA368201608.

ClinVar aggregate classification (germline): Uncertain significance. Review status: criteria provided, multiple submitters, no conflicts (2 of 4 stars). 3 submissions from 2 submitters: Uncertain significance (3). Last evaluated 2023-02-14.

Conditions:
Spinocerebellar ataxia 49 (SCA49). Identifiers: Orphanet 631106, MedGen C5676950, MONDO:0030805, OMIM 619806.
Ataxia-pancytopenia syndrome (ATXPC). Also called: SAMD9L-Related Syndrome; SAMD9L Ataxia-Pancytopenia Syndrome. Identifiers: Orphanet 2585, MedGen C1327919, MONDO:0008038, OMIM 159550.

Allele frequency attached by ClinVar (database versions not stated): gnomAD exomes below 0.00001; TOPMed below 0.00001.
gnomAD v4.1: 2 of 1,614,134 alleles (0.00012%); highest among the groups gnomAD compares: Admixed American, 0.0017%; no homozygotes.

Submissions (3):

Neuberg Centre For Genomic Medicine, NCGM
Classification: Uncertain significance for Ataxia-pancytopenia syndrome. Last evaluated: 2023-02-14. Review status: criteria provided, single submitter. Criteria: ACMG Guidelines, 2015. Collection method: clinical testing. Allele origin: germline. Inheritance: Autosomal dominant inheritance. Affected: yes.
Comment: The missense c.683G>A (p.Cys228Tyr) variant in SAMD9L gene has been has not been reported previously as a pathogenic variant nor as a benign variant, to our knowledge. The p.Cys228Tyr variant has allele frequency 0.0004% in gnomAD Exomes and is novel (not in any individuals) in 1000 Genomes. This variant has been reported to the ClinVar database as Uncertain Significance. The amino acid change p.Cys228Tyr in SAMD9L is predicted as conserved by GERP++ and PhyloP across 100 vertebrates. The amino acid Cys at position 228 is changed to a Tyr changing protein sequence and it might alter its composition and physico-chemical properties. For these reasons, this variant has been classified as Variant of Uncertain Significance (VUS).

Labcorp Genetics (formerly Invitae), Labcorp
Classification: Uncertain significance. Last evaluated: 2021-07-04. Review status: criteria provided, single submitter. Criteria: Invitae Variant Classification Sherloc (09022015). Collection method: clinical testing. Allele origin: germline.
Comment: In summary, the available evidence is currently insufficient to determine the role of this variant in disease. Therefore, it has been classified as a Variant of Uncertain Significance. Experimental studies have shown that this variant affects SAMD9L protein function (PMID: 30322869). Algorithms developed to predict the effect of missense changes on protein structure and function are either unavailable or do not agree on the potential impact of this missense change (SIFT: "Not Available"; PolyPhen-2: "Probably Damaging"; Align-GVGD: "Not Available"). This variant has been observed in individual(s) with primary myelofibrosis (PMID: 30322869). This variant is not present in population databases (ExAC no frequency). This sequence change replaces cysteine with tyrosine at codon 228 of the SAMD9L protein (p.Cys228Tyr). The cysteine residue is highly conserved and there is a large physicochemical difference between cysteine and tyrosine.

Neuberg Centre For Genomic Medicine, NCGM
Classification: Uncertain significance for Spinocerebellar ataxia 49. Review status: criteria provided, single submitter. Criteria: ACMG Guidelines, 2015. Collection method: clinical testing. Allele origin: germline. Inheritance: Autosomal dominant inheritance. Affected: yes.
Comment: The missense c.683G>A (p.Cys228Tyr) variant in the SAMD9L gene has been reported previously in an individual affected with myelodysplastic syndromes (Nagata et al., 2018). The p.Cys228Tyr variant has an allele frequency of 0.0004% in gnomAD Exomes. This variant has been reported to the ClinVar database as Uncertain Significance. The amino acid Cysteine at position 228 is changed to a Tyrosine changing protein sequence and it might alter its composition and physico-chemical properties. The variant is predicted as damaging by SIFT. The amino acid change p.Cys228Tyr in SAMD9L is predicted as conserved by GERP++ and PhyloP across 100 vertebrates. For these reasons, this variant has been classified as Uncertain Significance (VUS).

Literature cited by the submitters: PubMed 30322869 (cited by Labcorp Genetics (formerly Invitae), Labcorp).